The following is an entry in ClinVar:

ClinVar aggregate classification (germline): Benign/Likely benign. Review status: criteria provided, multiple submitters, no conflicts (2 of 4 stars). 3 submissions from 3 submitters: Benign (1); Likely benign (2). Last evaluated 2024-04-16.

Allele frequency attached by ClinVar (database versions not stated): ESP Exome Variant Server 0.00546; ExAC 0.00670; 1000 Genomes Project 0.00120; gnomAD 0.00497 and 0.00587; gnomAD exomes 0.00516 and 0.00700; 1000 Genomes Project 30x 0.00203; TOPMed 0.00470.
gnomAD v4.1: 9,951 of 1,474,750 alleles (0.67%); highest among the groups gnomAD compares: Non-Finnish European, 0.79%; 45 homozygotes.

Submissions (3):

Mayo Clinic Laboratories, Mayo Clinic
Classification: Benign. Last evaluated: 2024-04-16. Review status: criteria provided, single submitter. Criteria: ACMG Guidelines, 2015. Collection method: clinical testing. Allele origin: germline. Observed: 2 variant alleles.
Comment: BA1, BP4, BP7

GeneDx
Classification: Likely benign. Last evaluated: 2018-07-31. Review status: criteria provided, single submitter. Criteria: GeneDx Variant Classification Process June 2021. Collection method: clinical testing. Allele origin: germline. Affected: yes.

Breakthrough Genomics
Classification: Likely benign. Review status: criteria provided, single submitter. Criteria: ACMG Guidelines, 2015. Collection method: not provided. Allele origin: germline. Inheritance: Autosomal recessive inheritance. Affected: yes.

NM_018368.4(LMBRD1):c.563-28A>G

Gene: LMBRD1 (LMBR1 domain containing 1; minus strand). Cytogenetic location: 6q13.
Variant type: single nucleotide variant.
Coding change: c.563-28A>G on transcript NM_018368.4 (MANE Select); 28 bases into the intron before coding-DNA position 563, A replaced by G.
Molecular consequence: intron variant.
Genome position (GRCh38, 1-based): chr6:69,738,043, T>C on the plus strand (A>G on the coding strand, the complement: LMBRD1 is on the minus strand). VCF-style: chr6-69738043-T-C. GRCh37 (hg19) VCF-style: chr6-70447935-T-C.
Other names: p.?; c.344-28A>G (NM_001367272.1, NM_001367271.1, NM_001363722.2).
Identifiers: ClinVar variation 1210864 (VCV001210864.5), dbSNP rs117698473, ClinGen allele CA3879845.
Genomic context (GRCh38, chr6:69,738,043, plus strand): 5'-AACTGATAGAAAATGACAATGCAGCTAAACCATCTGTGAAGAAAGAAAAACTGTTAAAAA[T>C]GTACATATATACTACTCAAATCCTTATATTTAGCAAATCAACATAGAAAGCTGAGCTGCT-3'